The following is an entry in ClinVar:

NM_023036.6(DNAI2):c.865-5A>G

Gene: DNAI2 (dynein axonemal intermediate chain 2; plus strand). Cytogenetic location: 17q25.1.
Variant type: single nucleotide variant.
Coding change: c.865-5A>G on transcript NM_023036.6 (MANE Select); 5 bases into the intron before coding-DNA position 865, A replaced by G.
Molecular consequence: intron variant.
Genome position (GRCh38, 1-based): chr17:74,301,041, A>G. VCF-style: chr17-74301041-A-G. GRCh37 (hg19) VCF-style: chr17-72297180-A-G.
Other names: p.?; c.865-5A>G (NM_001353167.2, NM_001172810.3).
Identifiers: ClinVar variation 178764 (VCV000178764.31), dbSNP rs8076337, ClinGen allele CA182962.

ClinVar aggregate classification (germline): Benign/Likely benign. Review status: criteria provided, multiple submitters, no conflicts (2 of 4 stars). 11 submissions from 11 submitters: Benign (9); Likely benign (1). 1 of the submissions does not count toward it. Last evaluated 2026-02-04.

Conditions:
Primary ciliary dyskinesia 9. Also called: CILIARY DYSKINESIA, PRIMARY, 9, WITH OR WITHOUT SITUS INVERSUS. Identifiers: Orphanet 244, MedGen C2676235, MONDO:0012906, OMIM 612444.
Primary ciliary dyskinesia. Also called: Ciliary dyskinesia. Identifiers: Orphanet 244, MedGen C0008780, MONDO:0016575, HP:0012265.

Allele frequency attached by ClinVar (database versions not stated): 1000 Genomes Project 30x 0.25812; 1000 Genomes Project 0.26118; TOPMed 0.32126; gnomAD 0.32772 and 0.32904; ESP Exome Variant Server 0.34530; ExAC 0.34743; gnomAD exomes 0.38596.
gnomAD v4.1: 612,614 of 1,613,340 alleles (38%); highest among the groups gnomAD compares: Non-Finnish European, 41%; 119,963 homozygotes.

Submissions (11):

Labcorp Genetics (formerly Invitae), Labcorp
Classification: Benign for Primary ciliary dyskinesia. Last evaluated: 2026-02-04. Review status: criteria provided, single submitter. Criteria: Invitae Variant Classification Sherloc (09022015). Collection method: clinical testing. Allele origin: germline.

Blueprint Genetics
Classification: Likely benign. Last evaluated: 2024-11-28. Review status: criteria provided, single submitter. Criteria: ACMG Guidelines, 2015. Collection method: clinical testing. Allele origin: germline.

Mayo Clinic Laboratories, Mayo Clinic
Classification: Benign. Last evaluated: 2022-04-26. Review status: criteria provided, single submitter. Criteria: ACMG Guidelines, 2015. Collection method: clinical testing. Allele origin: germline. Observed: 122 variant alleles.

Genome-Nilou Lab
Classification: Benign for Primary ciliary dyskinesia 9. Last evaluated: 2021-07-10. Review status: criteria provided, single submitter. Criteria: ACMG Guidelines, 2015. Collection method: clinical testing. Allele origin: germline. Affected: no.

GeneDx
Classification: Benign. Last evaluated: 2018-11-11. Review status: criteria provided, single submitter. Criteria: GeneDx Variant Classification Process June 2021. Collection method: clinical testing. Allele origin: germline. Affected: yes.

Illumina Laboratory Services, Illumina
Classification: Benign for Primary ciliary dyskinesia 9. Last evaluated: 2018-01-13. Review status: criteria provided, single submitter. Criteria: ICSL Variant Classification Criteria 13 December 2019. Collection method: clinical testing. Allele origin: germline.
Comment: This variant was observed in the ICSL laboratory as part of a predisposition screen in an ostensibly healthy population. It had not been previously curated by ICSL or reported in the Human Gene Mutation Database (HGMD: prior to June 1st, 2018), and was therefore a candidate for classification through an automated scoring system. Utilizing variant allele frequency, disease prevalence and penetrance estimates, and inheritance mode, an automated score was calculated to assess if this variant is too frequent to cause the disease. Based on the score and internal cut-off values, a variant classified as benign is not then subjected to further curation. The score for this variant resulted in a classification of benign for this disease.

Ambry Genetics
Classification: Benign for Primary ciliary dyskinesia. Last evaluated: 2014-12-11. Review status: criteria provided, single submitter. Criteria: Ambry Variant Classification Scheme 2023. Collection method: clinical testing. Allele origin: germline.

Laboratory for Molecular Medicine, Mass General Brigham Personalized Medicine
Classification: Benign. Last evaluated: 2013-02-21. Review status: criteria provided, single submitter. Criteria: LMM Criteria. Collection method: clinical testing. Allele origin: germline. Observed: 62 variant alleles.
Comment: 865-5A>G in intron 7 of DNAI2: This variant is not expected to have clinical sig nificance because it has been identified in 41.0% (3527/8600) of European Americ an chromosomes from a broad population by the NHLBI Exome Sequencing Project (dbSNP rs8076337).

Breakthrough Genomics
Classification: Benign. Review status: criteria provided, single submitter. Criteria: ACMG Guidelines, 2015. Collection method: not provided. Allele origin: germline. Inheritance: Autosomal recessive inheritance. Affected: yes.

PreventionGenetics, part of Exact Sciences
Classification: Benign. Review status: criteria provided, single submitter. Criteria: ACMG Guidelines, 2015. Collection method: clinical testing. Allele origin: germline.

Natera, Inc.
Classification: Benign for Primary ciliary dyskinesia. Last evaluated: 2020-09-16. Review status: no assertion criteria provided. Collection method: clinical testing. Allele origin: germline. Not counted in ClinVar's aggregate classification.